The following is an entry in ClinVar:

ClinVar aggregate classification (germline): Pathogenic (1 of 4 stars; one submission).

Submission:

GeneDx
Classification: Pathogenic. Last evaluated: 2020-06-15. Review status: criteria provided, single submitter. Criteria: GeneDx Variant Classification Process June 2021. Collection method: clinical testing. Allele origin: germline. Affected: yes.
Comment: Frameshift variant predicted to result in protein truncation or nonsense mediated decay in a gene for which loss-of-function is a known mechanism of disease; Not observed in large population cohorts (Lek et al., 2016)

NM_001844.5(COL2A1):c.1525_1527delinsTGTGACC (p.Arg509fs)

Gene: COL2A1 (collagen type II alpha 1 chain; minus strand). Cytogenetic location: 12q13.11.
Variant type: Indel.
Coding change: c.1525_1527delinsTGTGACC on transcript NM_001844.5 (MANE Select); coding-DNA positions 1525 to 1527, AGA replaced by TGTGACC.
Protein change: p.Arg509fs; shifts the reading frame from arginine 509.
Molecular consequence: frameshift variant.
Genome position (GRCh38, 1-based): chr12:47,986,336-47,986,338, TCT replaced by GGTCACA on the plus strand (AGA replaced by TGTGACC on the coding strand, the reverse complement: COL2A1 is on the minus strand). VCF-style: chr12-47986336-TCT-GGTCACA. GRCh37 (hg19) VCF-style: chr12-48380119-TCT-GGTCACA.
Other names: c.1318_1320delinsTGTGACC, p.Arg440fs (NM_033150.3); short protein forms R509fs, R440fs.
Identifiers: ClinVar variation 817798 (VCV000817798.3), dbSNP rs1592218614, ClinGen allele CA915948788.
Genomic context (GRCh38, chr12:47,986,336, plus strand): 5'-ACTCCACTTCCCTCTCGAGGTCACAGGCCCCATGGGATGGAGCCTCCACATTCACTTAAC[TCT>GGTCACA]TTCTCCAGGGGGACCGATGGGCCCAACGCCACCAGGCTCTCCACGGGCACCTCTCTTGCC-3'